The following is an entry in ClinVar:

NM_000329.3(RPE65):c.560G>A (p.Gly187Glu)

Gene: RPE65 (retinoid isomerohydrolase RPE65; minus strand). Cytogenetic location: 1p31.3.
Variant type: single nucleotide variant.
Coding change: c.560G>A on transcript NM_000329.3 (MANE Select); coding-DNA position 560, G replaced by A.
Protein change: p.Gly187Glu; replaces glycine 187 with glutamic acid.
Molecular consequence: missense variant.
Genome position (GRCh38, 1-based): chr1:68,440,936, C>T on the plus strand (G>A on the coding strand, the complement: RPE65 is on the minus strand). VCF-style: chr1-68440936-C-T. GRCh37 (hg19) VCF-style: chr1-68906619-C-T.
Other names: NP_000320.1:p.(Gly187Glu); NM_000329.3(RPE65):c.560G>A; p.Gly187Glu; short protein forms G187E.
Identifiers: ClinVar variation 801497 (VCV000801497.20), dbSNP rs752058510, ClinGen allele CA902468.

ClinVar aggregate classification (germline): Pathogenic. Review status: reviewed by expert panel (3 of 4 stars). 12 submissions from 11 submitters: Pathogenic (1). 11 of the submissions do not count toward it. Last evaluated 2024-02-20.

Conditions:
RPE65-related recessive retinopathy. Also called: Recessive RPE65 retinopathy. Identifiers: MedGen CN305526, MONDO:0100368.
RPE65-related disorder. Also called: RPE65-related disorders; RPE65-related condition. Identifiers: MedGen CN239301.
Retinitis pigmentosa 20 (RP20). Identifiers: Orphanet 791, MedGen C3151086, MONDO:0013425, OMIM 613794.
Leber congenital amaurosis 2 (LCA2). Also called: AMAUROSIS CONGENITA OF LEBER II; Autosomal Recessive RPE65-Related Retinal Degeneration. Identifiers: Orphanet 65, MedGen C1859844, MONDO:0008765, OMIM 204100. Disease mechanism: loss of function.
Leber congenital amaurosis (LCA). Also called: Leber's amaurosis. Identifiers: Orphanet 65, MedGen C0339527, MeSH D057130, MONDO:0018998.
Retinitis pigmentosa (RP). Identifiers: Orphanet 791, MedGen C0035334, MeSH D012174, MONDO:0019200, OMIM 268000. Inheritance: Autosomal dominant, autosomal recessive and X linked inheritance.

Allele frequency attached by ClinVar (database versions not stated): ExAC 0.00001; gnomAD exomes 0.00001; TOPMed 0.00001.
gnomAD v4.1: 4 of 1,613,950 alleles (0.00025%); highest among the groups gnomAD compares: Admixed American, 0.0033%; no homozygotes.

Submissions (12):

ClinGen Leber Congenital Amaurosis/early Onset Retinal Dystrophy Variant Curation Expert Panel, ClinGen
Classification: Pathogenic for RPE65-related recessive retinopathy. Last evaluated: 2024-02-20. Review status: reviewed by expert panel. Criteria: ClinGen LCAeoRD ACMG Specifications RPE65 V1.0.0. Collection method: curation. Allele origin: germline. Inheritance: Autosomal recessive inheritance.
Comment: NM_000329.3(RPE65):c.560G>A is a missense variant that causes substitution of glycine with glutamic acid at position 187. This variant is present in gnomAD v.2.1.1 at a GrpMax allele frequency of 0.000009590, with 2 alleles / 34536 total alleles in the Admixed American population, which is lower than the ClinGen LCA / eoRD VCEP PM2_Supporting threshold of <0.0002 (PM2_Supporting). At least one proband harboring this variant exhibits a phenotype including diagnosis of retinitis pigmentosa with onset at age 2 years (1 pt), night blindness (0.5 pts), visual field reduction (1 pt), bone spicule pigmentation (0.5 pts), loss of central vision (1 pt), and undetectable electroretinogram responses from rods (0.5 pts) and cones (1 pt), which together are specific for RPE65-related recessive retinopathy (5.5 pts, PMID: 34492281, PP4). This variant has been reported in at least 3 unrelated probands with early-onset severe retinal dystrophy who were homozygous for the variant (1 pt, PMID: 31878136, PM3). The variant has been reported to segregate with childhood-onset severe retinal dystrophy through three probands plus 4 similarly affected relatives, with the variant present in the homozygous state (PP1_Strong; PMID: 31878136). The computational predictor REVEL gives a score of 0.939, which is above the ClinGen LCA / eoRD VCEP threshold of >= 0.774 and predicts a damaging effect on RPE65 function (PP3_Moderate). In summary, this variant meets the criteria to be classified as pathogenic for RPE65-related recessive retinopathy based on the ACMG/AMP criteria applied, as specified by the ClinGen LCA / eoRD VCEP: PM2_Supporting, PM3, PP1_Strong, PP3_Moderate, and PP4. (VCEP specifications version 1.0.0; date of approval 09/21/2023).

PreventionGenetics, part of Exact Sciences
Classification: Pathogenic for RPE65-related condition. Last evaluated: 2026-06-20. Review status: criteria provided, single submitter. Criteria: ACMG Guidelines, 2015. Collection method: clinical testing. Allele origin: germline. Not counted in ClinVar's aggregate classification.
Comment: The RPE65 c.560G>A variant is predicted to result in the amino acid substitution p.Gly187Glu. This variant has been reported in the homozygous state or in combination with another RPE65 variant in individuals with Leber congenital amaurosis or retinal dystrophy (for example, Porto et al. 2017. PubMed ID: 29186038; Merle et al. 2025. PubMed ID: 40757766; Periera de Freitas Cenachi et al. 2025. PubMed ID: 40384766). This variant segregated with childhood retinal dystrophy within families (Motta et al. 2019. PubMed ID: 31878136; Porto et al. 2017. PubMed ID: 29186038). At PreventionGenetics, this variant has been noted in the homozygous state in individuals with retinal disorders. This variant is reported in 0.0058% of alleles in individuals of Latino descent in gnomAD and has been classified as pathogenic by the ClinGen Leber Congenital Amaurosis/early Onset Retinal Dystrophy Variant Curation Expert Panel. This variant is interpreted as pathogenic.

Natera, Inc.
Classification: Pathogenic for Leber congenital amaurosis. Last evaluated: 2025-10-28. Review status: criteria provided, single submitter. Criteria: Natera Variant Classification Schema (03/2026). Collection method: clinical testing. Allele origin: germline. Not counted in ClinVar's aggregate classification.
Comment: The c.560G>A variant in RPE65 is a missense variant predicted to cause substitution of glycine to glutamic acid at amino acid 187. This variant is rare in the general population with a frequency below the threshold expected for the associated phenotype(s). This variant has been observed in one or more individuals affected with the associated recessive disease, as either homozygous or compound heterozygous with a second variant (PMID: 40384766, 39939324, 32865313, 34492281). Computational prediction algorithms indicate this variant is likely to affect gene or protein function. Given the available evidence, this variant is classified as Pathogenic.

3billion
Classification: Pathogenic for RPE65-related disorder. Last evaluated: 2025-10-23. Review status: criteria provided, single submitter. Criteria: ACMG Guidelines, 2015. Collection method: clinical testing. Allele origin: germline. Affected: yes. Not counted in ClinVar's aggregate classification.
Comment: The variant is observed at an extremely low frequency in the gnomAD v4.1.0 dataset (total allele frequency: <0.001%). Predicted Consequence/Location: Missense variant In silico tool predictions suggest damaging effect of the variant on gene or gene product [REVEL: 0.94 (>=0.6, sensitivity 0.68 and specificity 0.92); 3Cnet: 0.99 (> 0.75, sensitivity 0.96 and precision 0.92)]. The same nucleotide change resulting in the same amino acid change has been previously reported as pathogenic/likely pathogenic with strong evidence (ClinVar ID: VCV000801497 /PMID: 29186038). The variant has been observed in multiple (>3) similarly affected unrelated individuals (PMID: 31878136). Therefore, this variant is classified as Pathogenic according to the recommendation of ACMG/AMP guideline.

Labcorp Genetics (formerly Invitae), Labcorp
Classification: Pathogenic for Leber congenital amaurosis 2; Retinitis pigmentosa 20. Last evaluated: 2025-09-15. Review status: criteria provided, single submitter. Criteria: Invitae Variant Classification Sherloc (09022015). Collection method: clinical testing. Allele origin: germline. Not counted in ClinVar's aggregate classification.
Comment: This sequence change replaces glycine, which is neutral and non-polar, with glutamic acid, which is acidic and polar, at codon 187 of the RPE65 protein (p.Gly187Glu). This variant is present in population databases (rs752058510, gnomAD 0.006%). This missense change has been observed in individuals with autosomal recessive early onset retinal disease (PMID: 29186038, 31878136; internal data). It has also been observed to segregate with disease in related individuals. ClinVar contains an entry for this variant (Variation ID: 801497). Invitae Evidence Modeling of protein sequence and biophysical properties (such as structural, functional, and spatial information, amino acid conservation, physicochemical variation, residue mobility, and thermodynamic stability) indicates that this missense variant is not expected to disrupt RPE65 protein function with a negative predictive value of 80%. For these reasons, this variant has been classified as Pathogenic.

Blueprint Genetics
Classification: Pathogenic for RPE65-related disorders. Last evaluated: 2023-09-13. Review status: criteria provided, single submitter. Criteria: ACMG Guidelines, 2015. Collection method: clinical testing. Allele origin: germline. Affected: yes. Observed: 5 variant alleles. Not counted in ClinVar's aggregate classification.

Ophthalmic Genetics Group, Institute of Molecular and Clinical Ophthalmology Basel
Classification: Pathogenic for Leber congenital amaurosis. Last evaluated: 2023-07-24. Review status: criteria provided, single submitter. Criteria: ACMG Guidelines, 2015. Collection method: research. Allele origin: germline. Affected: yes. Observed: 1 variant allele. Not counted in ClinVar's aggregate classification.
Comment: Clinical significance based on ACMG v2.0

This variant was classified as Pathogenic based on ACMG criteria: PP3, PP5, PM2, PP2.

Ophthalmic Genetics Group, Institute of Molecular and Clinical Ophthalmology Basel
Classification: Pathogenic for Retinitis pigmentosa. Last evaluated: 2023-07-24. Review status: criteria provided, single submitter. Criteria: ACMG Guidelines, 2015. Collection method: research. Allele origin: germline. Affected: yes. Observed: 1 variant allele. Not counted in ClinVar's aggregate classification.
Comment: the same text as in the submission from Ophthalmic Genetics Group, Institute of Molecular and Clinical Ophthalmology Basel above.

Dasa
Classification: Pathogenic for RPE65-related disorder. Last evaluated: 2022-06-10. Review status: criteria provided, single submitter. Criteria: ACMG Guidelines, 2015. Collection method: clinical testing. Allele origin: germline. Affected: yes. Observed: 1 variant allele. Not counted in ClinVar's aggregate classification.
Comment: The c.560G>A;p.(Gly187Glu) missense change has been observed in affected individual(s)(PMID: 29186038; 4492281; 31878136) - PS4. The variant is present at low allele frequencies population databases (rs752058510– gnomAD 0.00007965%; ABraOM no frequency) -PM2_supporting. The p.(Gly187Glu) was detected in trans with a Pathogenic variant (PMID: 29186038; 34492281; 31878136) - PM3_strong. The variant co-segregated with disease in multiple affected family members (PMID: 31878136) - PP1_strong. Multiple lines of computational evidence support a deleterious effect on the gene or gene product - PP3. In summary, the currently available evidence indicates that the variant is Pathogenic

Baylor Genetics
Classification: Likely pathogenic for Leber congenital amaurosis 2. Last evaluated: 2022-06-04. Review status: criteria provided, single submitter. Criteria: ACMG Guidelines, 2015. Collection method: clinical testing. Allele origin: unknown. Not counted in ClinVar's aggregate classification.

GeneDx
Classification: Uncertain significance. Last evaluated: 2019-08-22. Review status: criteria provided, single submitter. Criteria: GeneDx Variant Classification Process June 2021. Collection method: clinical testing. Allele origin: germline. Affected: yes. Not counted in ClinVar's aggregate classification.
Comment: In silico analysis, which includes protein predictors and evolutionary conservation, supports a deleterious effect; This variant is associated with the following publications: (PMID: 32865313, 31878136, 29186038)

Mendelics
Classification: Likely pathogenic for Leber congenital amaurosis 2. Last evaluated: 2019-05-28. Review status: criteria provided, single submitter. Criteria: Mendelics Assertion Criteria 2017. Collection method: clinical testing. Allele origin: unknown. Not counted in ClinVar's aggregate classification.

Literature cited by the submitters: PubMed 40384766 (cited by Natera, Inc.); PubMed 39939324 (cited by Natera, Inc.); PubMed 32865313 (cited by Natera, Inc.); PubMed 34492281 (cited by Natera, Inc.); PubMed 29186038 (cited by 3 submitters); PubMed 31878136 (cited by 3 submitters); PubMed 36909829 (cited by Ophthalmic Genetics Group, Institute of Molecular and Clinical Ophthalmology Basel); PubMed 4492281 (cited by Dasa).